The following is an entry in ClinVar:

Conditions:
Breast-ovarian cancer, familial, susceptibility to, 1 (BROVCA1). Also called: BRCA1 Hereditary Breast and Ovarian Cancer; OVARIAN CANCER, SUSCEPTIBILITY TO. Identifiers: Orphanet 145, MedGen C2676676, MONDO:0011450, OMIM 604370. Disease mechanism: loss of function.

Submission:

Brotman Baty Institute, University of Washington
No classification provided (evidence only). Condition: Breast-ovarian cancer, familial 1. Review status: no classification provided. Collection method: in vitro. Allele origin: not applicable. Functional consequence: functionally_normal.
ClinVar note: "not provided" was previously submitted as the classification for the variant. However, the classification appeared to be based only on an observation of functional data so it was converted to no classification on 2025-07-30.

NM_007294.4(BRCA1):c.60A>T (p.Lys20Asn)

Gene: BRCA1 (BRCA1 DNA repair associated; minus strand). Cytogenetic location: 17q21.31.
Variant type: single nucleotide variant.
Coding change: c.60A>T on transcript NM_007294.4 (MANE Select); coding-DNA position 60, A replaced by T.
Protein change: p.Lys20Asn; replaces lysine 20 with asparagine.
Molecular consequence: missense variant. On other transcripts: 5 prime UTR variant (1), non-coding transcript variant (1).
Genome position (GRCh38, 1-based): chr17:43,124,037, T>A on the plus strand (A>T on the coding strand, the complement: BRCA1 is on the minus strand). VCF-style: chr17-43124037-T-A. GRCh37 (hg19) VCF-style: chr17-41276054-T-A.
Other names: c.-129A>T (NM_001407571.1, NM_001407853.1, NM_001407879.1 and 46 more transcripts); c.60A>T, p.Lys20Asn (NM_001407581.1, NM_001407582.1, NM_001407583.1 and 193 more transcripts); c.-198A>T (NM_001407694.1, NM_001407724.1, NM_001407727.1 and 11 more transcripts); c.-202A>T (NM_001407695.1, NM_001408465.1); c.-343A>T (NM_001407696.1); c.-227A>T (NM_001407697.1, NM_001407846.1, NM_001407920.1); c.-28A>T (NM_001407698.1, NM_001407732.1, NM_001407736.1 and 23 more transcripts); c.-201A>T (NM_001407725.1, NM_001407730.1, NM_001407734.1 and 22 more transcripts); and 8 more; short protein forms K20N.
Identifiers: ClinVar variation 868776 (VCV000868776.3), dbSNP rs202168814, ClinGen allele CA10602035.